The following is an entry in ClinVar:

ClinVar aggregate classification (germline): Uncertain significance. Review status: criteria provided, multiple submitters, no conflicts (2 of 4 stars). 2 submissions from 2 submitters: Uncertain significance (2). Last evaluated 2026-01-24.

Conditions:
Inborn genetic diseases. Identifiers: MedGen C0950123, MeSH D030342.

Allele frequency attached by ClinVar (database versions not stated): gnomAD 0.00001; TOPMed 0.00002.
gnomAD v4.1: 13 of 1,599,596 alleles (0.00081%); highest among the groups gnomAD compares: East Asian, 0.0045%; no homozygotes.

Submissions (2):

Labcorp Genetics (formerly Invitae), Labcorp
Classification: Uncertain significance. Last evaluated: 2026-01-24. Review status: criteria provided, single submitter. Criteria: Invitae Variant Classification Sherloc (09022015). Collection method: clinical testing. Allele origin: germline.
Comment: This sequence change replaces proline, which is neutral and non-polar, with leucine, which is neutral and non-polar, at codon 82 of the MYSM1 protein (p.Pro82Leu). This variant is present in population databases (rs768128851, gnomAD 0.006%). This variant has not been reported in the literature in individuals affected with MYSM1-related conditions. ClinVar contains an entry for this variant (Variation ID: 1403588). Invitae Evidence Modeling of protein sequence and biophysical properties (such as structural, functional, and spatial information, amino acid conservation, physicochemical variation, residue mobility, and thermodynamic stability) indicates that this missense variant is not expected to disrupt MYSM1 protein function with a negative predictive value of 80%. In summary, the available evidence is currently insufficient to determine the role of this variant in disease. Therefore, it has been classified as a Variant of Uncertain Significance.

Ambry Genetics
Classification: Uncertain significance for Inborn genetic diseases. Last evaluated: 2025-08-31. Review status: criteria provided, single submitter. Criteria: Ambry Variant Classification Scheme 2023. Collection method: clinical testing. Allele origin: germline.

NM_001085487.3(MYSM1):c.245C>T (p.Pro82Leu)

Gene: MYSM1 (Myb like, SWIRM and MPN domains 1; minus strand). Cytogenetic location: 1p32.1.
Variant type: single nucleotide variant.
Coding change: c.245C>T on transcript NM_001085487.3 (MANE Select); coding-DNA position 245, C replaced by T.
Protein change: p.Pro82Leu; replaces proline 82 with leucine.
Molecular consequence: missense variant.
Genome position (GRCh38, 1-based): chr1:58,690,391, G>A on the plus strand (C>T on the coding strand, the complement: MYSM1 is on the minus strand). VCF-style: chr1-58690391-G-A. GRCh37 (hg19) VCF-style: chr1-59156063-G-A.
Other names: c.245C>T (NM_001085487.2); short protein forms P82L.
Identifiers: ClinVar variation 1403588 (VCV001403588.9), dbSNP rs768128851, ClinGen allele CA878098.
Genomic context (GRCh38, chr1:58,690,391, plus strand): 5'-TGATTTTACCTCTTCATGTATTTTTTATCATCTTCCTTTTGATCAAGCCAGACTTTTTCC[G>A]GTTGTGATTTTTTAGATAAATAATATCTGTGTAACTATCAAGGAAACTTTTTAAACAATA-3'
Protein context (NP_001078956.1, residues 72-92): EEYYLSKKSQ[Pro82Leu]EKVWLDQKED